The following is an entry in ClinVar:

ClinVar aggregate classification (germline): Benign/Likely benign. Review status: criteria provided, multiple submitters, no conflicts (2 of 4 stars). 2 submissions from 2 submitters: Benign (1); Likely benign (1). Last evaluated 2024-10-31.

Conditions:
Multiple endocrine neoplasia, type 1 (MEN1). Also called: MEN I; WERMER SYNDROME; Endocrine adenomatosis multiple; MEN 1; MEA I. Identifiers: Orphanet 652, MedGen C0025267, MeSH D018761, MONDO:0007540, OMIM 131100.

gnomAD v4.1: 2 of 1,613,874 alleles (0.00012%); highest among the groups gnomAD compares: Non-Finnish European, 0.00017%; no homozygotes.

Submissions (2):

Myriad Genetics, Inc.
Classification: Benign for Multiple endocrine neoplasia, type 1. Last evaluated: 2024-10-31. Review status: criteria provided, single submitter. Criteria: Myriad Autosomal Dominant, Autosomal Recessive and X-Linked Classification Criteria (2023). Collection method: clinical testing. Allele origin: unknown.
Comment: This variant is considered benign. This variant is a silent/synonymous amino acid change and it is not expected to impact splicing.

Labcorp Genetics (formerly Invitae), Labcorp
Classification: Likely benign for Multiple endocrine neoplasia, type 1. Last evaluated: 2024-04-08. Review status: criteria provided, single submitter. Criteria: Invitae Variant Classification Sherloc (09022015). Collection method: clinical testing. Allele origin: germline.

NM_001370259.2(MEN1):c.300C>T (p.Ala100=)

Gene: MEN1 (menin 1; minus strand). Cytogenetic location: 11q13.1.
Variant type: single nucleotide variant.
Coding change: c.300C>T on transcript NM_001370259.2 (MANE Select); coding-DNA position 300, C replaced by T.
Protein change: p.Ala100=; no amino-acid change (alanine 100 retained).
Molecular consequence: synonymous variant.
Genome position (GRCh38, 1-based): chr11:64,809,810, G>A on the plus strand (C>T on the coding strand, the complement: MEN1 is on the minus strand). VCF-style: chr11-64809810-G-A. GRCh37 (hg19) VCF-style: chr11-64577282-G-A.
Other names: c.300C>T, p.Ala100= (NM_001370261.2, NM_001370262.2, NM_001370263.2 and 9 more transcripts).
Identifiers: ClinVar variation 1118304 (VCV001118304.10), dbSNP rs773136972, ClinGen allele CA475163559.
Genomic context (GRCh38, chr11:64,809,810, plus strand): 5'-CTTCTTCACCAGCTCACGGCTGGAGACACCCCCTTCTCGAGGATAGAGGGACAGGTCGAC[G>A]GCGCCTCGGATCTGGGCGGTGAAGCGGGCATAGAGGGCGGCGATGATAGACAGGTCGGCC-3'
Protein context (NP_001357188.2, residues 90-110): YARFTAQIRG[Ala100=]VDLSLYPREG